The following is an entry in ClinVar:

NM_020975.6(RET):c.1396T>A (p.Phe466Ile)

Gene: RET (ret proto-oncogene; plus strand). Cytogenetic location: 10q11.21.
Variant type: single nucleotide variant.
Coding change: c.1396T>A on transcript NM_020975.6 (MANE Select); coding-DNA position 1396, T replaced by A.
Protein change: p.Phe466Ile; replaces phenylalanine 466 with isoleucine.
Molecular consequence: missense variant. On other transcripts: intron variant (15).
Genome position (GRCh38, 1-based): chr10:43,111,339, T>A. VCF-style: chr10-43111339-T-A. GRCh37 (hg19) VCF-style: chr10-43606787-T-A.
Other names: c.634T>A, p.Phe212Ile (NM_001355216.2); c.1396T>A, p.Phe466Ile (NM_001406743.1, NM_001406744.1, NM_001406759.1 and 4 more transcripts); c.1267T>A, p.Phe423Ile (NM_001406761.1, NM_001406762.1, NM_001406764.1 and 1 more transcripts); c.1108T>A, p.Phe370Ile (NM_001406766.1, NM_001406767.1, NM_001406770.1); c.670T>A, p.Phe224Ile (NM_001406777.1, NM_001406778.1, NM_001406775.1 and 1 more transcripts); c.406T>A, p.Phe136Ile (NM_001406784.1); c.626-760T>A (NM_001406782.1, NM_001406780.1, NM_001406779.1 and 3 more transcripts); c.497-760T>A (NM_001406786.1, NM_001406783.1); and 5 more; short protein forms F212I, F291I, F334I, F466I, F224I, F320I, F423I, F136I.
Identifiers: ClinVar variation 5028154 (VCV005028154.1).

ClinVar aggregate classification (germline): Uncertain significance (1 of 4 stars; one submission).

Conditions:
Hereditary cancer-predisposing syndrome. Also called: Neoplastic Syndromes, Hereditary; Tumor predisposition; Hereditary neoplastic syndrome; Hereditary Cancer Syndrome. Identifiers: Orphanet 140162, MedGen C0027672, MeSH D009386, MONDO:0015356.

Submission:

Ambry Genetics
Classification: Uncertain significance for Hereditary cancer-predisposing syndrome. Last evaluated: 2026-09-08. Review status: criteria provided, single submitter. Criteria: Ambry Variant Classification Scheme 2023. Collection method: clinical testing. Allele origin: germline.
Comment: The p.F466I variant (also known as c.1396T>A), located in coding exon 7 of the RET gene, results from a T to A substitution at nucleotide position 1396. The phenylalanine at codon 466 is replaced by isoleucine, an amino acid with highly similar properties. This amino acid position is conserved. In addition, this alteration is predicted to be tolerated by in silico analysis. Based on the available evidence, the clinical significance of this variant remains unclear.